The following is an entry in ClinVar:

ClinVar aggregate classification (germline): Uncertain significance (1 of 4 stars; one submission).

gnomAD v4.1: 7 of 1,613,828 alleles (0.00043%); highest among the groups gnomAD compares: African/African-American, 0.0013%; no homozygotes.

Submission:

Women's Health and Genetics/Laboratory Corporation of America, LabCorp
Classification: Uncertain significance. Last evaluated: 2025-06-26. Review status: criteria provided, single submitter. Criteria: LabCorp Variant Classification Summary - May 2015. Collection method: clinical testing. Allele origin: germline.
Comment: Variant summary: STAG1 c.3250C>A (p.Leu1084Ile) results in a conservative amino acid change in the encoded protein sequence. Algorithms developed to predict the effect of missense changes on protein structure and function are either unavailable or do not agree on the potential impact of this missense change. The variant was absent in 251348 control chromosomes. The available data on variant occurrences in the general population are insufficient to allow any conclusion about variant significance. To our knowledge, no occurrence of c.3250C>A in individuals affected with Mental Retardation, Autosomal Dominant 47 and no experimental evidence demonstrating its impact on protein function have been reported. No submitters have cited clinical-significance assessments for this variant to ClinVar. Based on the evidence outlined above, the variant was classified as uncertain significance.

NM_005862.3(STAG1):c.3250C>A (p.Leu1084Ile)

Gene: STAG1 (STAG1 cohesin complex component; minus strand). Cytogenetic location: 3q22.3.
Variant type: single nucleotide variant.
Coding change: c.3250C>A on transcript NM_005862.3 (MANE Select); coding-DNA position 3250, C replaced by A.
Protein change: p.Leu1084Ile; replaces leucine 1084 with isoleucine.
Molecular consequence: missense variant.
Genome position (GRCh38, 1-based): chr3:136,349,179, G>T on the plus strand (C>A on the coding strand, the complement: STAG1 is on the minus strand). VCF-style: chr3-136349179-G-T. GRCh37 (hg19) VCF-style: chr3-136068021-G-T.
Other names: short protein forms L1084I.
Identifiers: ClinVar variation 3907515 (VCV003907515.1).